The following is an entry in ClinVar:

NM_021939.4(FKBP10):c.1256+14G>C

Gene: FKBP10 (FKBP prolyl isomerase 10; plus strand). Cytogenetic location: 17q21.2.
Variant type: single nucleotide variant.
Coding change: c.1256+14G>C on transcript NM_021939.4 (MANE Select); 14 bases into the intron after coding-DNA position 1256, G replaced by C.
Molecular consequence: intron variant.
Genome position (GRCh38, 1-based): chr17:41,820,475, G>C. VCF-style: chr17-41820475-G-C. GRCh37 (hg19) VCF-style: chr17-39976727-G-C.
Identifiers: ClinVar variation 323192 (VCV000323192.15), dbSNP rs202121419, ClinGen allele CA8566571.

ClinVar aggregate classification (germline): Benign/Likely benign. Review status: criteria provided, multiple submitters, no conflicts (2 of 4 stars). 5 submissions from 5 submitters: Benign (4); Likely benign (1). Last evaluated 2026-02-04.

Conditions:
Osteogenesis imperfecta type 11. Also called: OI, TYPE XI; Osteogenesis imperfecta, type XI. Identifiers: Orphanet 666, MedGen C3151218, MONDO:0012592, OMIM 610968.
Bruck syndrome 1 (BRKS1). Also called: ARTHROGRYPOSIS-LIKE DISORDER. Identifiers: Orphanet 1149, Orphanet 2771, MedGen C1850168, MONDO:0009806, OMIM 259450.

Allele frequency attached by ClinVar (database versions not stated): TOPMed 0.00029; gnomAD exomes 0.00906; ExAC 0.01008; 1000 Genomes Project 30x 0.01171; 1000 Genomes Project 0.01338.
gnomAD v4.1: 6,692 of 1,613,362 alleles (0.41%); highest among the groups gnomAD compares: South Asian, 7%; 300 homozygotes.

Submissions (5):

Labcorp Genetics (formerly Invitae), Labcorp
Classification: Benign. Last evaluated: 2026-02-04. Review status: criteria provided, single submitter. Criteria: Invitae Variant Classification Sherloc (09022015). Collection method: clinical testing. Allele origin: germline.

ARUP Laboratories, Molecular Genetics and Genomics, ARUP Laboratories
Classification: Benign. Last evaluated: 2025-07-11. Review status: criteria provided, single submitter. Criteria: ARUP Molecular Germline Variant Investigation Process 2024. Collection method: clinical testing. Allele origin: germline.

Fulgent Genetics
Classification: Likely benign for Bruck syndrome 1; Osteogenesis imperfecta type 11. Last evaluated: 2022-02-23. Review status: criteria provided, single submitter. Criteria: ACMG Guidelines, 2015. Collection method: clinical testing. Allele origin: unknown.

GeneDx
Classification: Benign. Last evaluated: 2018-06-14. Review status: criteria provided, single submitter. Criteria: GeneDx Variant Classification (06012015). Collection method: clinical testing. Allele origin: germline. Affected: yes.
Comment: This variant is considered likely benign or benign based on one or more of the following criteria: it is a conservative change, it occurs at a poorly conserved position in the protein, it is predicted to be benign by multiple in silico algorithms, and/or has population frequency not consistent with disease.

Illumina Laboratory Services, Illumina
Classification: Benign for Osteogenesis imperfecta type 11. Last evaluated: 2018-01-12. Review status: criteria provided, single submitter. Criteria: ICSL Variant Classification Criteria 13 December 2019. Collection method: clinical testing. Allele origin: germline.
Comment: This variant was observed in the ICSL laboratory as part of a predisposition screen in an ostensibly healthy population. It had not been previously curated by ICSL or reported in the Human Gene Mutation Database (HGMD: prior to June 1st, 2018), and was therefore a candidate for classification through an automated scoring system. Utilizing variant allele frequency, disease prevalence and penetrance estimates, and inheritance mode, an automated score was calculated to assess if this variant is too frequent to cause the disease. Based on the score and internal cut-off values, a variant classified as benign is not then subjected to further curation. The score for this variant resulted in a classification of benign for this disease.